The following is an entry in ClinVar:

ClinVar aggregate classification (germline): Uncertain significance. Review status: criteria provided, multiple submitters, no conflicts (2 of 4 stars). 2 submissions from 2 submitters: Uncertain significance (2). Last evaluated 2023-08-30.

Conditions:
Hereditary cancer-predisposing syndrome. Also called: Tumor predisposition; Neoplastic Syndromes, Hereditary; Hereditary Cancer Syndrome; Hereditary neoplastic syndrome. Identifiers: Orphanet 140162, MedGen C0027672, MeSH D009386, MONDO:0015356.
Tuberous sclerosis 1 (TSC1). Identifiers: Orphanet 805, MedGen C1854465, MONDO:0008612, OMIM 191100.

Submissions (2):

Ambry Genetics
Classification: Uncertain significance for Hereditary cancer-predisposing syndrome. Last evaluated: 2023-08-30. Review status: criteria provided, single submitter. Criteria: Ambry Variant Classification Scheme 2023. Collection method: clinical testing. Allele origin: germline.
Comment: The p.P670H variant (also known as c.2009C>A), located in coding exon 14 of the TSC1 gene, results from a C to A substitution at nucleotide position 2009. The proline at codon 670 is replaced by histidine, an amino acid with similar properties. This amino acid position is conserved. In addition, this alteration is predicted to be deleterious by in silico analysis. Since supporting evidence is limited at this time, the clinical significance of this alteration remains unclear.

Labcorp Genetics (formerly Invitae), Labcorp
Classification: Uncertain significance for Tuberous sclerosis 1. Last evaluated: 2023-01-12. Review status: criteria provided, single submitter. Criteria: Invitae Variant Classification Sherloc (09022015). Collection method: clinical testing. Allele origin: germline.
Comment: Advanced modeling of protein sequence and biophysical properties (such as structural, functional, and spatial information, amino acid conservation, physicochemical variation, residue mobility, and thermodynamic stability) performed at Invitae indicates that this missense variant is not expected to disrupt TSC1 protein function. In summary, the available evidence is currently insufficient to determine the role of this variant in disease. Therefore, it has been classified as a Variant of Uncertain Significance. This variant has not been reported in the literature in individuals affected with TSC1-related conditions. This variant is not present in population databases (gnomAD no frequency). This sequence change replaces proline, which is neutral and non-polar, with histidine, which is basic and polar, at codon 670 of the TSC1 protein (p.Pro670His).

NM_000368.5(TSC1):c.2009C>A (p.Pro670His)

Gene: TSC1 (TSC complex subunit 1; minus strand). Cytogenetic location: 9q34.13.
Variant type: single nucleotide variant.
Coding change: c.2009C>A on transcript NM_000368.5 (MANE Select); coding-DNA position 2009, C replaced by A.
Protein change: p.Pro670His; replaces proline 670 with histidine.
Molecular consequence: missense variant. On other transcripts: non-coding transcript variant (5).
Genome position (GRCh38, 1-based): chr9:132,904,443, G>T on the plus strand (C>A on the coding strand, the complement: TSC1 is on the minus strand). VCF-style: chr9-132904443-G-T. GRCh37 (hg19) VCF-style: chr9-135779830-G-T.
Other names: c.2006C>A, p.Pro669His (NM_001162426.2, NM_001406597.1, NM_001406598.1 and 6 more transcripts); c.1856C>A, p.Pro619His (NM_001162427.2, NM_001406610.1); c.1646C>A, p.Pro549His (NM_001362177.2, NM_001406619.1, NM_001406624.1 and 5 more transcripts); c.2009C>A, p.Pro670His (NM_001406592.1, NM_001406593.1, NM_001406594.1 and 7 more transcripts); c.1643C>A, p.Pro548His (NM_001406620.1, NM_001406621.1, NM_001406622.1 and 2 more transcripts); c.1058C>A, p.Pro353His (NM_001406626.1); c.1055C>A, p.Pro352His (NM_001406627.1, NM_001406628.1); c.956C>A, p.Pro319His (NM_001406629.1, NM_001406630.1); and 1 more; short protein forms P548H, P619H, P319H, P618H, P669H, P670H, P549H, P352H.
Identifiers: ClinVar variation 2625211 (VCV002625211.5), dbSNP rs754679411, ClinGen allele CA375361446.
Genomic context (GRCh38, chr9:132,904,443, plus strand): 5'-GGATTTGGAGCTAAAGTAACAACTTTACCTCCAAAGTGGGTCCAGTCGACAGACTTGCTG[G>T]GTAAAGGCAACCTAGGAAGAAAGTTTTTGAGTAACAAAGTTACCGATCTTACCAAGAAAA-3'
Protein context (NP_000359.1, residues 660-680): HSKELNKLPL[Pro670His]SKSVDWTHFG